The following is an entry in ClinVar:

ClinVar aggregate classification (germline): Likely pathogenic (1 of 4 stars; one submission).

Conditions:
Congenital glucose-galactose malabsorption (GGM). Also called: DIARRHEA 16; MONOSACCHARIDE MALABSORPTION. Identifiers: Orphanet 35710, MedGen C0268186, MONDO:0011731, OMIM 606824.

Submission:

Labcorp Genetics (formerly Invitae), Labcorp
Classification: Likely pathogenic for Congenital glucose-galactose malabsorption. Last evaluated: 2026-01-18. Review status: criteria provided, single submitter. Criteria: Invitae Variant Classification Sherloc (09022015). Collection method: clinical testing. Allele origin: germline.
Comment: This sequence change affects a splice site in intron 4 of the SLC5A1 gene. It is expected to disrupt RNA splicing. Variants that disrupt the donor or acceptor splice site typically lead to a loss of protein function (PMID: 16199547), and loss-of-function variants in SLC5A1 are known to be pathogenic (PMID: 8563765). This variant is not present in population databases (gnomAD no frequency). This variant has not been reported in the literature in individuals affected with SLC5A1-related conditions. ClinVar contains an entry for this variant (Variation ID: 1514148). Algorithms developed to predict the effect of sequence changes on RNA splicing suggest that this variant may disrupt the consensus splice site. In summary, the currently available evidence indicates that the variant is pathogenic, but additional data are needed to prove that conclusively. Therefore, this variant has been classified as Likely Pathogenic.

Literature cited by the submitters: PubMed 16199547; PubMed 8563765.

NM_000343.4(SLC5A1):c.372+1_372+2insCTTATAT

Gene: SLC5A1 (solute carrier family 5 member 1; plus strand). Cytogenetic location: 22q12.3.
Variant type: Insertion.
Coding change: c.372+1_372+2insCTTATAT on transcript NM_000343.4 (MANE Select); the canonical splice donor site of the intron after coding-DNA position 372, CTTATAT inserted.
Molecular consequence: splice donor variant.
Genome position: GRCh38 VCF-style: chr22-32068027-G-GCTTATAT. GRCh37 (hg19) VCF-style: chr22-32464014-G-GCTTATAT.
Other names: c.-10+1_-10+2insCTTATAT (NM_001256314.2).
Identifiers: ClinVar variation 1514148 (VCV001514148.8), dbSNP rs764766115, ClinGen allele CA752478830.